The following is an entry in ClinVar:

ClinVar aggregate classification (germline): Uncertain significance. Review status: criteria provided, multiple submitters, no conflicts (2 of 4 stars). 2 submissions from 2 submitters: Uncertain significance (2). Last evaluated 2023-06-06.

Conditions:
Inborn genetic diseases. Identifiers: MedGen C0950123, MeSH D030342.

Allele frequency attached by ClinVar (database versions not stated): gnomAD exomes 0.00001 and 0.00002; ExAC 0.00002; gnomAD 0.00003; TOPMed 0.00004; 1000 Genomes Project 0.00040; 1000 Genomes Project 30x 0.00047.

Submissions (2):

Ambry Genetics
Classification: Uncertain significance for Inborn genetic diseases. Last evaluated: 2023-06-06. Review status: criteria provided, single submitter. Criteria: Ambry Variant Classification Scheme 2023. Collection method: clinical testing. Allele origin: germline.

Labcorp Genetics (formerly Invitae), Labcorp
Classification: Uncertain significance. Last evaluated: 2022-10-17. Review status: criteria provided, single submitter. Criteria: Invitae Variant Classification Sherloc (09022015). Collection method: clinical testing. Allele origin: germline.
Comment: This sequence change replaces glycine, which is neutral and non-polar, with arginine, which is basic and polar, at codon 313 of the DLL3 protein (p.Gly313Arg). This variant is present in population databases (rs572215947, gnomAD 0.03%). This variant has not been reported in the literature in individuals affected with DLL3-related conditions. ClinVar contains an entry for this variant (Variation ID: 1414309). Algorithms developed to predict the effect of missense changes on protein structure and function are either unavailable or do not agree on the potential impact of this missense change (SIFT: "Deleterious"; PolyPhen-2: "Probably Damaging"; Align-GVGD: "Class C15"). In summary, the available evidence is currently insufficient to determine the role of this variant in disease. Therefore, it has been classified as a Variant of Uncertain Significance.

NM_203486.3(DLL3):c.937G>A (p.Gly313Arg)

Gene: DLL3 (delta like canonical Notch ligand 3; plus strand). Cytogenetic location: 19q13.2.
Variant type: single nucleotide variant.
Coding change: c.937G>A on transcript NM_203486.3 (MANE Select); coding-DNA position 937, G replaced by A.
Protein change: p.Gly313Arg; replaces glycine 313 with arginine.
Molecular consequence: missense variant.
Genome position (GRCh38, 1-based): chr19:39,505,295, G>A. VCF-style: chr19-39505295-G-A. GRCh37 (hg19) VCF-style: chr19-39995935-G-A.
Other names: c.937G>A, p.Gly313Arg (NM_016941.4); c.937G>A (NM_016941.3); short protein forms G313R.
Identifiers: ClinVar variation 1414309 (VCV001414309.6), dbSNP rs572215947, ClinGen allele CA9432317.